The following is an entry in ClinVar:

NM_001164277.2(SLC37A4):c.217C>T (p.Gln73Ter)

Gene: SLC37A4 (solute carrier family 37 member 4; minus strand). Cytogenetic location: 11q23.3.
Variant type: single nucleotide variant.
Coding change: c.217C>T on transcript NM_001164277.2 (MANE Select); coding-DNA position 217, C replaced by T.
Protein change: p.Gln73Ter; replaces glutamine 73 with a stop codon.
Molecular consequence: nonsense. On other transcripts: 5 prime UTR variant (1).
Genome position (GRCh38, 1-based): chr11:119,028,358, G>A on the plus strand (C>T on the coding strand, the complement: SLC37A4 is on the minus strand). VCF-style: chr11-119028358-G-A. GRCh37 (hg19) VCF-style: chr11-118899068-G-A.
Other names: c.217C>T, p.Gln73Ter (NM_001164278.2, NM_001164280.2, NM_001467.6); c.-3C>T (NM_001164279.2); short protein forms Q73*.
Identifiers: ClinVar variation 917662 (VCV000917662.9), dbSNP rs1555191604, ClinGen allele CA382906005.

ClinVar aggregate classification (germline): Pathogenic. Review status: criteria provided, multiple submitters, no conflicts (2 of 4 stars). 2 submissions from 2 submitters: Pathogenic (2). Last evaluated 2023-01-31.

Conditions:
Glucose-6-phosphate transport defect (GSD1B). Also called: Glycogen Storage Disease Type Ib; GSD Ib. Identifiers: Orphanet 364, Orphanet 79259, MedGen C0268146, MONDO:0009288, OMIM 232220.

Submissions (2):

Labcorp Genetics (formerly Invitae), Labcorp
Classification: Pathogenic for Glucose-6-phosphate transport defect. Last evaluated: 2023-01-31. Review status: criteria provided, single submitter. Criteria: Invitae Variant Classification Sherloc (09022015). Collection method: clinical testing. Allele origin: germline.
Comment: For these reasons, this variant has been classified as Pathogenic. ClinVar contains an entry for this variant (Variation ID: 917662). This premature translational stop signal has been observed in individual(s) with clinical features of SLC37A4-related conditions (PMID: 15059622). This variant is not present in population databases (gnomAD no frequency). This sequence change creates a premature translational stop signal (p.Gln73*) in the SLC37A4 gene. It is expected to result in an absent or disrupted protein product. Loss-of-function variants in SLC37A4 are known to be pathogenic (PMID: 9758626, 10940311).

Women's Health and Genetics/Laboratory Corporation of America, LabCorp
Classification: Pathogenic for Glucose-6-phosphate transport defect. Last evaluated: 2020-01-27. Review status: criteria provided, single submitter. Criteria: LabCorp Variant Classification Summary - May 2015. Collection method: clinical testing. Allele origin: germline.
Comment: Variant summary: SLC37A4 c.217C>T (p.Gln73X) results in a premature termination codon, predicted to cause a truncation of the encoded protein or absence of the protein due to nonsense mediated decay, which are commonly known mechanisms for disease. Truncations downstream of this position have been classified as pathogenic by our laboratory. The variant was absent in 235820 control chromosomes. c.217C>T has been reported in the literature in at-least one homozygous individual of Japanese ethnicity affected with Glycogen Storage Disease Type Ib (example, Kojima_2004) and has been subsequently cited by others (example, Chou_2014). These data indicate that the variant is likely to be associated with disease. To our knowledge, no experimental evidence demonstrating an impact on protein function has been reported. No clinical diagnostic laboratories have submitted clinical-significance assessments for this variant to ClinVar after 2014. Based on the evidence outlined above, the variant was classified as pathogenic.

Literature cited by the submitters: PubMed 15059622 (cited by Labcorp Genetics (formerly Invitae), Labcorp and Women's Health and Genetics/Laboratory Corporation of America, LabCorp); PubMed 9758626 (cited by Labcorp Genetics (formerly Invitae), Labcorp); PubMed 10940311 (cited by Labcorp Genetics (formerly Invitae), Labcorp); PubMed 24745989 (cited by Women's Health and Genetics/Laboratory Corporation of America, LabCorp).